The following is an entry in ClinVar:

NM_005909.5(MAP1B):c.6145A>G (p.Thr2049Ala)

Gene: MAP1B (microtubule associated protein 1B; plus strand). Cytogenetic location: 5q13.2.
Variant type: single nucleotide variant.
Coding change: c.6145A>G on transcript NM_005909.5 (MANE Select); coding-DNA position 6145, A replaced by G.
Protein change: p.Thr2049Ala; replaces threonine 2049 with alanine.
Molecular consequence: missense variant.
Genome position (GRCh38, 1-based): chr5:72,199,500, A>G. VCF-style: chr5-72199500-A-G. GRCh37 (hg19) VCF-style: chr5-71495327-A-G.
Other names: c.5767A>G, p.Thr1923Ala (NM_001324255.2); c.6145A>G (NM_005909.4); short protein forms T2049A, T1923A.
Identifiers: ClinVar variation 2230811 (VCV002230811.3), dbSNP rs143805763, ClinGen allele CA3299436.

ClinVar aggregate classification (germline): Uncertain significance. Review status: criteria provided, multiple submitters, no conflicts (2 of 4 stars). 2 submissions from 2 submitters: Uncertain significance (2). Last evaluated 2026-07-14.

Conditions:
MAP1B-related disorder. Also called: MAP1B-related condition.
Inborn genetic diseases. Identifiers: MedGen C0950123, MeSH D030342.

Allele frequency attached by ClinVar (database versions not stated): gnomAD exomes below 0.00001; ExAC 0.00004; gnomAD 0.00005; TOPMed 0.00005; ESP Exome Variant Server 0.00015.
gnomAD v4.1: 11 of 1,614,070 alleles (0.00068%); highest among the groups gnomAD compares: African/African-American, 0.011%; no homozygotes.

Submissions (2):

PreventionGenetics, part of Exact Sciences
Classification: Uncertain significance for MAP1B-related condition. Last evaluated: 2026-07-14. Review status: criteria provided, single submitter. Criteria: ACMG Guidelines, 2015. Collection method: clinical testing. Allele origin: germline.
Comment: The MAP1B c.6145A>G variant is predicted to result in the amino acid substitution p.Thr2049Ala. To our knowledge, this variant has not been reported in the literature. This variant is reported in 0.020% of alleles in individuals of African descent in gnomAD. Although we suspect that this variant may be benign, at this time, the clinical significance of this variant is uncertain due to the absence of conclusive functional and genetic evidence.

Ambry Genetics
Classification: Uncertain significance for Inborn genetic diseases. Last evaluated: 2021-05-26. Review status: criteria provided, single submitter. Criteria: Ambry Variant Classification Scheme 2023. Collection method: clinical testing. Allele origin: germline.